The following is an entry in ClinVar:

NM_170682.4(P2RX2):c.1090C>G (p.Leu364Val)

Gene: P2RX2 (purinergic receptor P2X 2; plus strand). Cytogenetic location: 12q24.33.
Variant type: single nucleotide variant.
Coding change: c.1090C>G on transcript NM_170682.4 (MANE Select); coding-DNA position 1090, C replaced by G.
Protein change: p.Leu364Val; replaces leucine 364 with valine.
Molecular consequence: missense variant. On other transcripts: 3 prime UTR variant (1).
Genome position (GRCh38, 1-based): chr12:132,621,646, C>G. VCF-style: chr12-132621646-C-G. GRCh37 (hg19) VCF-style: chr12-133198232-C-G.
Other names: c.988C>G, p.Leu330Val (NM_001282164.2); c.*137C>G (NM_001282165.2); c.874C>G, p.Leu292Val (NM_012226.5); c.1018C>G, p.Leu340Val (NM_016318.4); c.1168C>G, p.Leu390Val (NM_170683.4); c.814C>G, p.Leu272Val (NM_174872.3); c.1090C>G, p.Leu364Val (NM_174873.3); short protein forms L292V, L390V, L272V, L330V, L364V, L340V.
Identifiers: ClinVar variation 505961 (VCV000505961.5), dbSNP rs749812549, ClinGen allele CA6891828.

ClinVar aggregate classification (germline): Uncertain significance (1 of 4 stars; one submission).

Allele frequency attached by ClinVar (database versions not stated): ExAC 0.00001; gnomAD exomes 0.00001.
gnomAD v4.1: 1 of 1,613,686 alleles (0.000062%); highest among the groups gnomAD compares: Admixed American, 0.0017%; no homozygotes.

Submission:

Laboratory for Molecular Medicine, Mass General Brigham Personalized Medicine
Classification: Uncertain significance. Last evaluated: 2017-07-20. Review status: criteria provided, single submitter. Criteria: LMM Criteria. Collection method: clinical testing. Allele origin: germline. Observed: 1 variant allele.
Comment: The p.Leu390Val variant in P2RX2 has not been previously reported in individuals with hearing loss but has been identified in 1/33508 Latino chromosomes by the Genome Aggregation Database (gnomAD; dbSNP rs7 49812549). Although this variant has been seen in the general population, its fr equency is not high enough to rule out a pathogenic role. Computational predicti on tools and conservation analyses do not provide strong support for or against an impact to the protein. In summary, the clinical significance of the p.Leu390V al variant is uncertain.